The following is an entry in ClinVar:

NM_176787.5(PIGN):c.661C>T (p.Arg221Ter)

Gene: PIGN (phosphatidylinositol glycan anchor biosynthesis class N; minus strand). Cytogenetic location: 18q21.33.
Variant type: single nucleotide variant.
Coding change: c.661C>T on transcript NM_176787.5 (MANE Select); coding-DNA position 661, C replaced by T.
Protein change: p.Arg221Ter; replaces arginine 221 with a stop codon.
Molecular consequence: nonsense.
Genome position (GRCh38, 1-based): chr18:62,148,227, G>A on the plus strand (C>T on the coding strand, the complement: PIGN is on the minus strand). VCF-style: chr18-62148227-G-A. GRCh37 (hg19) VCF-style: chr18-59815460-G-A.
Other names: c.661C>T, p.Arg221Ter (NM_012327.6); short protein forms R221*.
Identifiers: ClinVar variation 450902 (VCV000450902.13), dbSNP rs1382897257, ClinGen allele CA402601973.

ClinVar aggregate classification (germline): Pathogenic. Review status: criteria provided, multiple submitters, no conflicts (2 of 4 stars). 2 submissions from 2 submitters: Pathogenic (2). Last evaluated 2026-01-22.

Conditions:
Multiple congenital anomalies-hypotonia-seizures syndrome 1 (MCAHS1). Also called: GLYCOSYLPHOSPHATIDYLINOSITOL BIOSYNTHESIS DEFECT 3; PIGN-CDG; Congenital disorder of glycosylation due to PIGN deficiency. Identifiers: Orphanet 280633, MedGen C3279775, MONDO:0013563, OMIM 614080.

Allele frequency attached by ClinVar (database versions not stated): gnomAD exomes below 0.00001; gnomAD 0.00001; TOPMed 0.00002.
gnomAD v4.1: 6 of 1,542,724 alleles (0.00039%); highest among the groups gnomAD compares: East Asian, 0.0049%; no homozygotes.

Submissions (2):

Labcorp Genetics (formerly Invitae), Labcorp
Classification: Pathogenic for Multiple congenital anomalies-hypotonia-seizures syndrome 1. Last evaluated: 2026-01-22. Review status: criteria provided, single submitter. Criteria: Invitae Variant Classification Sherloc (09022015). Collection method: clinical testing. Allele origin: germline.
Comment: This sequence change creates a premature translational stop signal (p.Arg221*) in the PIGN gene. It is expected to result in an absent or disrupted protein product. Loss-of-function variants in PIGN are known to be pathogenic (PMID: 24253414, 27038415). The frequency data for this variant in the population databases is considered unreliable, as metrics indicate poor data quality at this position in the gnomAD database. This variant has not been reported in the literature in individuals affected with PIGN-related conditions. ClinVar contains an entry for this variant (Variation ID: 450902). Algorithms developed to predict the effect of sequence changes on RNA splicing suggest that this variant may disrupt the consensus splice site. For these reasons, this variant has been classified as Pathogenic.

GeneDx
Classification: Pathogenic. Last evaluated: 2026-01-01. Review status: criteria provided, single submitter. Criteria: GeneDx Variant Classification Process June 2021. Collection method: clinical testing. Allele origin: germline. Affected: yes.
Comment: Has not been previously published as pathogenic or benign to our knowledge; Nonsense variant predicted to result in protein truncation or nonsense mediated decay in a gene for which loss of function is a known mechanism of disease; Not observed at significant frequency in large population cohorts (gnomAD)

Literature cited by the submitters: PubMed 24253414 (cited by Labcorp Genetics (formerly Invitae), Labcorp); PubMed 27038415 (cited by Labcorp Genetics (formerly Invitae), Labcorp).